The following is an entry in ClinVar:

NM_002705.5(PPL):c.2460C>T (p.Ser820=)

Gene: PPL (periplakin; minus strand). Cytogenetic location: 16p13.3.
Variant type: single nucleotide variant.
Coding change: c.2460C>T on transcript NM_002705.5 (MANE Select); coding-DNA position 2460, C replaced by T.
Protein change: p.Ser820=; no amino-acid change (serine 820 retained).
Molecular consequence: synonymous variant.
Genome position (GRCh38, 1-based): chr16:4,888,156, G>A on the plus strand (C>T on the coding strand, the complement: PPL is on the minus strand). VCF-style: chr16-4888156-G-A. GRCh37 (hg19) VCF-style: chr16-4938157-G-A.
Identifiers: ClinVar variation 2646168 (VCV002646168.24), dbSNP rs143644912, ClinGen allele CA277128692.

ClinVar aggregate classification (germline): Likely benign (1 of 4 stars; one submission).

gnomAD v4.1: 8 of 1,613,984 alleles (0.0005%); highest among the groups gnomAD compares: African/African-American, 0.0013%; no homozygotes.

Submission:

CeGaT Center for Human Genetics Tuebingen
Classification: Likely benign. Last evaluated: 2023-08-01. Review status: criteria provided, single submitter. Criteria: CeGaT Center For Human Genetics Tuebingen Variant Classification Criteria Version 2. Collection method: clinical testing. Allele origin: germline. Affected: yes. Observed: 1 variant allele.
Comment: PPL: BP4, BP7